The following is an entry in ClinVar:

NM_001458.5(FLNC):c.3118A>T (p.Ile1040Phe)

Gene: FLNC (filamin C; plus strand). Cytogenetic location: 7q32.1.
Variant type: single nucleotide variant.
Coding change: c.3118A>T on transcript NM_001458.5 (MANE Select); coding-DNA position 3118, A replaced by T.
Protein change: p.Ile1040Phe; replaces isoleucine 1040 with phenylalanine.
Molecular consequence: missense variant.
Genome position (GRCh38, 1-based): chr7:128,844,192, A>T. VCF-style: chr7-128844192-A-T. GRCh37 (hg19) VCF-style: chr7-128484246-A-T.
Other names: c.3118A>T, p.Ile1040Phe (NM_001127487.2); short protein forms I1040F.
Identifiers: ClinVar variation 2944201 (VCV002944201.3), dbSNP rs759012932, ClinGen allele CA369194425.

ClinVar aggregate classification (germline): Uncertain significance (1 of 4 stars; one submission).

Conditions:
Hypertrophic cardiomyopathy 26. Also called: Cardiomyopathy, familial hypertrophic, 26. Identifiers: Orphanet 75249, MedGen C4310749, MONDO:0014883, OMIM 617047.
Myofibrillar myopathy 5. Also called: Filaminopathy (type); FILAMINOPATHY, AUTOSOMAL DOMINANT. Identifiers: Orphanet 171445, MedGen C1836050, MONDO:0012289, OMIM 609524.
Distal myopathy with posterior leg and anterior hand involvement. Also called: WILLIAMS DISTAL MYOPATHY. Identifiers: Orphanet 63273, MedGen C3279722, MONDO:0013550, OMIM 614065.

Submission:

Labcorp Genetics (formerly Invitae), Labcorp
Classification: Uncertain significance for Distal myopathy with posterior leg and anterior hand involvement; Myofibrillar myopathy 5; Hypertrophic cardiomyopathy 26. Last evaluated: 2023-02-13. Review status: criteria provided, single submitter. Criteria: Invitae Variant Classification Sherloc (09022015). Collection method: clinical testing. Allele origin: germline.
Comment: In summary, the available evidence is currently insufficient to determine the role of this variant in disease. Therefore, it has been classified as a Variant of Uncertain Significance. Advanced modeling of protein sequence and biophysical properties (such as structural, functional, and spatial information, amino acid conservation, physicochemical variation, residue mobility, and thermodynamic stability) has been performed at Invitae for this missense variant, however the output from this modeling did not meet the statistical confidence thresholds required to predict the impact of this variant on FLNC protein function. This variant has not been reported in the literature in individuals affected with FLNC-related conditions. This variant is not present in population databases (gnomAD no frequency). This sequence change replaces isoleucine, which is neutral and non-polar, with phenylalanine, which is neutral and non-polar, at codon 1040 of the FLNC protein (p.Ile1040Phe).